The following is an entry in ClinVar:

ClinVar aggregate classification (germline): Likely pathogenic. Review status: criteria provided, multiple submitters, no conflicts (2 of 4 stars). 4 submissions from 4 submitters: Likely pathogenic (4). Last evaluated 2025-01-13.

Conditions:
3-methylcrotonyl-CoA carboxylase 2 deficiency. Also called: METHYLCROTONYLGLYCINURIA, TYPE II; 3 alpha methylcrotonyl-CoA carboxylase 2 deficiency; 3 alpha methylcrotonylglycinuria 2; MCC 2 deficiency; Methylcrotonylglycinuria type 2. Identifiers: Orphanet 6, MedGen C1859499, MONDO:0008862, OMIM 210210.

Allele frequency attached by ClinVar (database versions not stated): TOPMed below 0.00001; gnomAD 0.00001 and 0.00002; 1000 Genomes Project 30x 0.00016; 1000 Genomes Project 0.00020.
gnomAD v4.1: 11 of 1,614,012 alleles (0.00068%); highest among the groups gnomAD compares: South Asian, 0.0022%; no homozygotes.

Submissions (4):

Natera, Inc.
Classification: Likely pathogenic for 3-methylcrotonyl-CoA carboxylase 2 deficiency. Last evaluated: 2025-01-13. Review status: criteria provided, single submitter. Criteria: Natera Variant Classification Schema (03/2026). Collection method: clinical testing. Allele origin: germline.
Comment: The c.578G>A variant in MCCC2 is a missense variant predicted to cause substitution of arginine to histidine at amino acid 193. This variant is rare in the general population with a frequency below the threshold expected for the associated phenotype(s). This variant has been observed in one or more individuals affected with the associated recessive disease, as either homozygous or compound heterozygous with a second variant (PMID: 16835865). A different variant at the same position has been determined to be Pathogenic or Likely Pathogenic. Computational prediction algorithms indicate this variant is likely to affect gene or protein function. Given the available evidence, this variant is classified as Likely Pathogenic.

Labcorp Genetics (formerly Invitae), Labcorp
Classification: Likely pathogenic for 3-methylcrotonyl-CoA carboxylase 2 deficiency. Last evaluated: 2024-04-22. Review status: criteria provided, single submitter. Criteria: Invitae Variant Classification Sherloc (09022015). Collection method: clinical testing. Allele origin: germline.
Comment: This sequence change replaces arginine, which is basic and polar, with histidine, which is basic and polar, at codon 193 of the MCCC2 protein (p.Arg193His). This variant is present in population databases (rs535519604, gnomAD 0.003%). This missense change has been observed in individual(s) with 3-methylcrotonyl-CoA carboxylase deficiency (PMID: 16835865). ClinVar contains an entry for this variant (Variation ID: 950084). Advanced modeling of protein sequence and biophysical properties (such as structural, functional, and spatial information, amino acid conservation, physicochemical variation, residue mobility, and thermodynamic stability) performed at Invitae indicates that this missense variant is not expected to disrupt MCCC2 protein function with a negative predictive value of 80%. This variant disrupts the p.Arg193 amino acid residue in MCCC2. Other variant(s) that disrupt this residue have been determined to be pathogenic (PMID: 11181649, 31730530; Invitae). This suggests that this residue is clinically significant, and that variants that disrupt this residue are likely to be disease-causing. In summary, the currently available evidence indicates that the variant is pathogenic, but additional data are needed to prove that conclusively. Therefore, this variant has been classified as Likely Pathogenic.

Fulgent Genetics
Classification: Likely pathogenic for 3-methylcrotonyl-CoA carboxylase 2 deficiency. Last evaluated: 2024-01-06. Review status: criteria provided, single submitter. Criteria: ACMG Guidelines, 2015. Collection method: clinical testing. Allele origin: germline.

Baylor Genetics
Classification: Likely pathogenic for 3-methylcrotonyl-CoA carboxylase 2 deficiency. Last evaluated: 2023-04-20. Review status: criteria provided, single submitter. Criteria: ACMG Guidelines, 2015. Collection method: clinical testing. Allele origin: unknown.

Literature cited by the submitters: PubMed 16835865 (cited by Natera, Inc. and Labcorp Genetics (formerly Invitae), Labcorp); PubMed 11181649 (cited by Labcorp Genetics (formerly Invitae), Labcorp); PubMed 31730530 (cited by Labcorp Genetics (formerly Invitae), Labcorp).

NM_022132.5(MCCC2):c.578G>A (p.Arg193His)

Gene: MCCC2 (methylcrotonyl-CoA carboxylase subunit 2; plus strand). Cytogenetic location: 5q13.2.
Variant type: single nucleotide variant.
Coding change: c.578G>A on transcript NM_022132.5 (MANE Select); coding-DNA position 578, G replaced by A.
Protein change: p.Arg193His; replaces arginine 193 with histidine.
Molecular consequence: missense variant.
Genome position (GRCh38, 1-based): chr5:71,604,422, G>A. VCF-style: chr5-71604422-G-A. GRCh37 (hg19) VCF-style: chr5-70900249-G-A.
Other names: c.578G>A, p.Arg193His (NM_001363147.1); short protein forms R193H.
Identifiers: ClinVar variation 950084 (VCV000950084.15), dbSNP rs535519604, ClinGen allele CA3297813.